The following is an entry in ClinVar:

ClinVar aggregate classification (germline): Uncertain significance. Review status: criteria provided, multiple submitters, no conflicts (2 of 4 stars). 2 submissions from 2 submitters: Uncertain significance (2). Last evaluated 2025-10-29.

Allele frequency attached by ClinVar (database versions not stated): gnomAD exomes 0.00001; ExAC 0.00002; TOPMed 0.00004; gnomAD 0.00006; ESP Exome Variant Server 0.00008; 1000 Genomes Project 30x 0.00016; 1000 Genomes Project 0.00020.
gnomAD v4.1: 22 of 1,614,060 alleles (0.0014%); highest among the groups gnomAD compares: African/African-American, 0.017%; no homozygotes.

Submissions (2):

Labcorp Genetics (formerly Invitae), Labcorp
Classification: Uncertain significance. Last evaluated: 2025-10-29. Review status: criteria provided, single submitter. Criteria: Invitae Variant Classification Sherloc (09022015). Collection method: clinical testing. Allele origin: germline.
Comment: This sequence change replaces arginine, which is basic and polar, with glutamine, which is neutral and polar, at codon 297 of the RELA protein (p.Arg297Gln). This variant is present in population databases (rs142033286, gnomAD 0.02%). This variant has not been reported in the literature in individuals affected with RELA-related conditions. ClinVar contains an entry for this variant (Variation ID: 1425634). An algorithm developed to predict the effect of missense changes on protein structure and function (PolyPhen-2) suggests that this variant is likely to be tolerated. In summary, the available evidence is currently insufficient to determine the role of this variant in disease. Therefore, it has been classified as a Variant of Uncertain Significance.

Ambry Genetics
Classification: Uncertain significance. Last evaluated: 2024-07-27. Review status: criteria provided, single submitter. Criteria: Ambry Variant Classification Scheme 2023. Collection method: clinical testing. Allele origin: germline.

NM_021975.4(RELA):c.890G>A (p.Arg297Gln)

Gene: RELA (RELA proto-oncogene, NF-kB subunit; minus strand). Cytogenetic location: 11q13.1.
Variant type: single nucleotide variant.
Coding change: c.890G>A on transcript NM_021975.4 (MANE Select); coding-DNA position 890, G replaced by A.
Protein change: p.Arg297Gln; replaces arginine 297 with glutamine.
Molecular consequence: missense variant.
Genome position (GRCh38, 1-based): chr11:65,655,923, C>T on the plus strand (G>A on the coding strand, the complement: RELA is on the minus strand). VCF-style: chr11-65655923-C-T. GRCh37 (hg19) VCF-style: chr11-65423394-C-T.
Other names: c.890G>A (NM_021975.3); c.881G>A, p.Arg294Gln (NM_001145138.2); c.890G>A, p.Arg297Gln (NM_001243984.2, NM_001243985.2); short protein forms R297Q, R294Q.
Identifiers: ClinVar variation 1425634 (VCV001425634.7), dbSNP rs142033286, ClinGen allele CA6106752.